The following is an entry in ClinVar:

NM_003783.3(B3GALT2):c.333C>T (p.Gly111=)

Genes: B3GALT2 (beta-1,3-galactosyltransferase 2; minus strand), CDC73 (cell division cycle 73; plus strand). Cytogenetic location: 1q31.2.
Variant type: single nucleotide variant.
Coding change: c.333C>T on transcript NM_003783.3 (MANE Select); coding-DNA position 333, C replaced by T.
Protein change: p.Gly111=; no amino-acid change (glycine 111 retained).
Molecular consequence: synonymous variant. On other transcripts: intron variant (1).
Genome position (GRCh38, 1-based): chr1:193,181,230, G>A on the plus strand (C>T on the coding strand, the complement: B3GALT2 is on the minus strand). VCF-style: chr1-193181230-G-A. GRCh37 (hg19) VCF-style: chr1-193150360-G-A.
Other names: c.973-22565G>A (NM_024529.5).
Identifiers: ClinVar variation 3771513 (VCV003771513.13).

ClinVar aggregate classification (germline): Likely benign (1 of 4 stars; one submission).

gnomAD v4.1: 46 of 1,613,882 alleles (0.0029%); highest among the groups gnomAD compares: Middle Eastern, 0.016%; no homozygotes.

Submission:

CeGaT Center for Human Genetics Tuebingen
Classification: Likely benign. Last evaluated: 2026-01-01. Review status: criteria provided, single submitter. Criteria: CeGaT Center For Human Genetics Tuebingen Variant Classification Criteria Version 2. Collection method: clinical testing. Allele origin: germline. Affected: yes. Observed: 2 variant alleles.
Comment: B3GALT2: BP4, BP7